The following is an entry in ClinVar:

NM_001382779.1(FBXL19):c.177+1G>A

Gene: FBXL19 (F-box and leucine rich repeat protein 19; plus strand). Cytogenetic location: 16p11.2.
Variant type: single nucleotide variant.
Coding change: c.177+1G>A on transcript NM_001382779.1 (MANE Select); the canonical splice donor site of the intron after coding-DNA position 177, G replaced by A.
Molecular consequence: splice donor variant.
Genome position (GRCh38, 1-based): chr16:30,925,932, G>A. VCF-style: chr16-30925932-G-A. GRCh37 (hg19) VCF-style: chr16-30937253-G-A.
Other names: c.243+1G>A (NM_001382780.1); c.-702+1G>A (NM_001282351.1); c.177+1G>A (NM_001382781.1); c.237+1G>A (NM_001099784.3).
Identifiers: ClinVar variation 3235756 (VCV003235756.1), dbSNP rs2543767174, ClinGen allele CA395623981.

ClinVar aggregate classification (germline): Uncertain significance (1 of 4 stars; one submission).

Allele frequency attached by ClinVar (database versions not stated): gnomAD exomes below 0.00001.
gnomAD v4.1: 1 of 1,484,282 alleles (0.000067%); highest among the groups gnomAD compares: Non-Finnish European, 0.000089%; no homozygotes.

Submission:

Greenwood Genetic Center Diagnostic Laboratories, Greenwood Genetic Center
Classification: Uncertain significance. Last evaluated: 2024-02-21. Review status: criteria provided, single submitter. Criteria: ACMG Guidelines, 2015. Collection method: clinical testing. Allele origin: germline. Affected: yes.
Comment: Gene of Uncertain Significance